The following is an entry in ClinVar:

NM_001145418.2(TTC28):c.7304G>A (p.Arg2435His)

Genes: TTC28 (tetratricopeptide repeat domain 28; minus strand), TTC28-AS1 (TTC28 antisense RNA 1; plus strand). Cytogenetic location: 22q12.1.
Variant type: single nucleotide variant.
Coding change: c.7304G>A on transcript NM_001145418.2 (MANE Select); coding-DNA position 7304, G replaced by A.
Protein change: p.Arg2435His; replaces arginine 2435 with histidine.
Molecular consequence: missense variant.
Genome position (GRCh38, 1-based): chr22:27,982,363, C>T on the plus strand (G>A on the coding strand, the complement: TTC28 is on the minus strand). VCF-style: chr22-27982363-C-T. GRCh37 (hg19) VCF-style: chr22-28378351-C-T.
Other names: c.7280G>A, p.Arg2427His (NM_001393403.1); c.6950G>A, p.Arg2317His (NM_001393404.1); c.6926G>A, p.Arg2309His (NM_001393405.1); short protein forms R2435H, R2309H, R2317H, R2427H.
Identifiers: ClinVar variation 778199 (VCV000778199.6), dbSNP rs56085644, ClinGen allele CA10166963.
Genomic context (GRCh38, chr22:27,982,363, plus strand): 5'-GGGGCTGTGGCGGGAGGGCCGGCGGGCAGCGGCAGTGAGCCCAGCGAGGTGGTCTCGGTG[C>T]GCCAGTGTCCGTTGGGAGGGGCTTTCGGTGGAGCTCCGTCATGCTGCTGCAGGGACAGCT-3'
Protein context (NP_001138890.1, residues 2425-2445): PPKAPPNGHW[Arg2435His]TETTSLGSLP

ClinVar aggregate classification (germline): Conflicting classifications of pathogenicity. Review status: criteria provided, conflicting classifications (1 of 4 stars). 3 submissions from 3 submitters: Uncertain significance (1); Likely benign (1). 1 of the submissions does not count toward it. Last evaluated 2025-07-31.

Conditions:
TTC28-related disorder. Also called: TTC28-related condition.

Allele frequency attached by ClinVar (database versions not stated): 1000 Genomes Project 0.00060; 1000 Genomes Project 30x 0.00094; ExAC 0.00170; gnomAD 0.00223 and 0.00250; TOPMed 0.00254; ESP Exome Variant Server 0.00350.
gnomAD v4.1: 6,283 of 1,540,914 alleles (0.41%); highest among the groups gnomAD compares: Non-Finnish European, 0.51%; 26 homozygotes.

Submissions (3):

Ambry Genetics
Classification: Uncertain significance. Last evaluated: 2025-07-31. Review status: criteria provided, single submitter. Criteria: Ambry Variant Classification Scheme 2023. Collection method: clinical testing. Allele origin: germline.

Labcorp Genetics (formerly Invitae), Labcorp
Classification: Likely benign. Last evaluated: 2018-07-06. Review status: criteria provided, single submitter. Criteria: Invitae Variant Classification Sherloc (09022015). Collection method: clinical testing. Allele origin: germline.

PreventionGenetics, part of Exact Sciences
Classification: Likely benign for TTC28-related condition. Last evaluated: 2022-03-01. Review status: no assertion criteria provided. Collection method: clinical testing. Allele origin: germline. Not counted in ClinVar's aggregate classification.
Comment: This variant is classified as likely benign based on ACMG/AMP sequence variant interpretation guidelines (Richards et al. 2015 PMID: 25741868, with internal and published modifications).